The following is an entry in ClinVar:

ClinVar aggregate classification (germline): Benign (1 of 4 stars; one submission).

Allele frequency attached by ClinVar (database versions not stated): gnomAD 0.03119 and 0.03311; 1000 Genomes Project 30x 0.03888; TOPMed 0.03595; 1000 Genomes Project 0.03694.
gnomAD v4.1: 4,702 of 152,166 alleles (3.1%); highest among the groups gnomAD compares: African/African-American, 11%; 247 homozygotes.

Submission:

GeneDx
Classification: Benign. Last evaluated: 2018-06-16. Review status: criteria provided, single submitter. Criteria: GeneDx Variant Classification (06012015). Collection method: clinical testing. Allele origin: germline. Affected: yes.
Comment: This variant is considered likely benign or benign based on one or more of the following criteria: it is a conservative change, it occurs at a poorly conserved position in the protein, it is predicted to be benign by multiple in silico algorithms, and/or has population frequency not consistent with disease.

NM_001034850.3(RETREG1):c.1000+248G>A

Gene: RETREG1 (reticulophagy regulator 1; minus strand). Cytogenetic location: 5p15.1.
Variant type: single nucleotide variant.
Coding change: c.1000+248G>A on transcript NM_001034850.3 (MANE Select); 248 bases into the intron after coding-DNA position 1000, G replaced by A.
Molecular consequence: intron variant.
Genome position (GRCh38, 1-based): chr5:16,477,414, C>T on the plus strand (G>A on the coding strand, the complement: RETREG1 is on the minus strand). VCF-style: chr5-16477414-C-T. GRCh37 (hg19) VCF-style: chr5-16477523-C-T.
Other names: c.577+248G>A (NM_019000.5).
Identifiers: ClinVar variation 677591 (VCV000677591.1), dbSNP rs79827316, ClinGen allele CA114756375.